The following is an entry in ClinVar:

NM_020812.4(DOCK6):c.4655A>G (p.Gln1552Arg)

Genes: DOCK6 (dedicator of cytokinesis 6; minus strand), DOCK6-AS1 (DOCK6 antisense RNA 1; plus strand). Cytogenetic location: 19p13.2.
Variant type: single nucleotide variant.
Coding change: c.4655A>G on transcript NM_020812.4 (MANE Select); coding-DNA position 4655, A replaced by G.
Protein change: p.Gln1552Arg; replaces glutamine 1552 with arginine.
Molecular consequence: missense variant.
Genome position (GRCh38, 1-based): chr19:11,211,872, T>C on the plus strand (A>G on the coding strand, the complement: DOCK6 is on the minus strand). VCF-style: chr19-11211872-T-C. GRCh37 (hg19) VCF-style: chr19-11322548-T-C.
Other names: c.4760A>G, p.Gln1587Arg (NM_001367830.1); short protein forms Q1552R, Q1587R.
Identifiers: ClinVar variation 1467617 (VCV001467617.6), dbSNP rs779305788, ClinGen allele CA9206762.

ClinVar aggregate classification (germline): Uncertain significance (1 of 4 stars; one submission).

Allele frequency attached by ClinVar (database versions not stated): gnomAD exomes 0.00001 and 0.00002; ExAC 0.00005.
gnomAD v4.1: 5 of 1,551,396 alleles (0.00032%); highest among the groups gnomAD compares: East Asian, 0.012%; no homozygotes.

Submission:

Labcorp Genetics (formerly Invitae), Labcorp
Classification: Uncertain significance. Last evaluated: 2024-07-01. Review status: criteria provided, single submitter. Criteria: Invitae Variant Classification Sherloc (09022015). Collection method: clinical testing. Allele origin: germline.
Comment: This sequence change replaces glutamine, which is neutral and polar, with arginine, which is basic and polar, at codon 1552 of the DOCK6 protein (p.Gln1552Arg). This variant is present in population databases (rs779305788, gnomAD 0.03%). This variant has not been reported in the literature in individuals affected with DOCK6-related conditions. ClinVar contains an entry for this variant (Variation ID: 1467617). Advanced modeling of protein sequence and biophysical properties (such as structural, functional, and spatial information, amino acid conservation, physicochemical variation, residue mobility, and thermodynamic stability) performed at Invitae indicates that this missense variant is not expected to disrupt DOCK6 protein function with a negative predictive value of 80%. In summary, the available evidence is currently insufficient to determine the role of this variant in disease. Therefore, it has been classified as a Variant of Uncertain Significance.